The following is an entry in ClinVar:

ClinVar aggregate classification (germline): Pathogenic (1 of 4 stars; one submission).

Submission:

Labcorp Genetics (formerly Invitae), Labcorp
Classification: Pathogenic. Last evaluated: 2023-10-30. Review status: criteria provided, single submitter. Criteria: Invitae Variant Classification Sherloc (09022015). Collection method: clinical testing. Allele origin: germline.
Comment: This variant is a gross deletion of the genomic region encompassing exon(s) 6-14 of the LBR gene, which includes the termination codon. This deletion extends beyond the assayed region for this gene and therefore may encompass additional genes. While this deletion is not anticipated to lead to nonsense mediated decay, it is expected to alter mRNA translation or result in a truncated protein product. This variant has not been reported in the literature in individuals affected with LBR-related conditions. This variant disrupts a region of the LBR protein in which other variant(s) (p.Arg583Gln) have been determined to be pathogenic (PMID: 21327084, 27336722, 32304187). This suggests that this is a clinically significant region of the protein, and that variants that disrupt it are likely to be disease-causing. For these reasons, this variant has been classified as Pathogenic.

Literature cited by the submitters: PubMed 21327084; PubMed 27336722; PubMed 32304187.

NC_000001.10:g.(?_225591005)_(225605902_?)del

Gene: LBR (lamin B receptor; minus strand). Cytogenetic location: 1q42.12.
Variant type: Deletion.
Identifiers: ClinVar variation 2424393 (VCV002424393.4).